The following is an entry in ClinVar:

ClinVar aggregate classification (germline): Uncertain significance (1 of 4 stars; one submission).

Conditions:
Familial hypocalciuric hypercalcemia (FHH). Also called: Familial benign hypercalcemia. Identifiers: Orphanet 405, MedGen C1809471, MONDO:0018458.
Autosomal dominant hypocalcemia 1 (HYPOC1). Also called: HYPOCALCEMIA, FAMILIAL. Identifiers: MedGen C3715128, MONDO:0011013, OMIM 601198.

Allele frequency attached by ClinVar (database versions not stated): gnomAD exomes below 0.00001.
gnomAD v4.1: 2 of 1,613,998 alleles (0.00012%); highest among the groups gnomAD compares: Non-Finnish European, 0.00017%; no homozygotes.

Submission:

Labcorp Genetics (formerly Invitae), Labcorp
Classification: Uncertain significance for Familial hypocalciuric hypercalcemia; Autosomal dominant hypocalcemia 1. Last evaluated: 2022-11-08. Review status: criteria provided, single submitter. Criteria: Invitae Variant Classification Sherloc (09022015). Collection method: clinical testing. Allele origin: germline.
Comment: In summary, the available evidence is currently insufficient to determine the role of this variant in disease. Therefore, it has been classified as a Variant of Uncertain Significance. This variant has not been reported in the literature in individuals affected with CASR-related conditions. This variant is not present in population databases (gnomAD no frequency). This sequence change replaces tryptophan, which is neutral and slightly polar, with cysteine, which is neutral and slightly polar, at codon 818 of the CASR protein (p.Trp818Cys). Algorithms developed to predict the effect of missense changes on protein structure and function are either unavailable or do not agree on the potential impact of this missense change (SIFT: "Deleterious"; PolyPhen-2: "Probably Damaging"; Align-GVGD: "Class C0").

NM_000388.4(CASR):c.2454G>T (p.Trp818Cys)

Gene: CASR (calcium sensing receptor; plus strand). Cytogenetic location: 3q21.1.
Variant type: single nucleotide variant.
Coding change: c.2454G>T on transcript NM_000388.4 (MANE Select); coding-DNA position 2454, G replaced by T.
Protein change: p.Trp818Cys; replaces tryptophan 818 with cysteine.
Molecular consequence: missense variant.
Genome position (GRCh38, 1-based): chr3:122,284,408, G>T. VCF-style: chr3-122284408-G-T. GRCh37 (hg19) VCF-style: chr3-122003255-G-T.
Other names: c.2484G>T, p.Trp828Cys (NM_001178065.2); short protein forms W818C, W828C.
Identifiers: ClinVar variation 2941422 (VCV002941422.3), dbSNP rs1576878011, ClinGen allele CA354159841.